The following is an entry in ClinVar:

ClinVar aggregate classification (germline): Pathogenic (1 of 4 stars; one submission).

Conditions:
Familial cancer of breast. Also called: BREAST CANCER, FAMILIAL; Hereditary breast cancer; hereditary breast carcinoma. Identifiers: Orphanet 227535, MedGen C0346153, MONDO:0016419, OMIM 114480. Disease mechanism: loss of function.

Submission:

Myriad Genetics, Inc.
Classification: Pathogenic for Familial cancer of breast. Last evaluated: 2024-01-18. Review status: criteria provided, single submitter. Criteria: Myriad Autosomal Dominant, Autosomal Recessive and X-Linked Classification Criteria (2023). Collection method: clinical testing. Allele origin: unknown.
Comment: This variant is considered pathogenic. This variant creates a frameshift predicted to result in premature protein truncation.

NM_000051.4(ATM):c.2865del (p.Gly956fs)

Gene: ATM (ATM serine/threonine kinase; plus strand). Cytogenetic location: 11q22.3.
Variant type: Deletion.
Coding change: c.2865del on transcript NM_000051.4 (MANE Select); coding-DNA position 2865, one base deleted (T; older notation c.2865delT).
Protein change: p.Gly956fs; shifts the reading frame from glycine 956.
Molecular consequence: frameshift variant.
Genome position (GRCh38, 1-based): chr11:108,271,090, T deleted. VCF-style (leftmost placement, unchanged base first): chr11-108271089-CT-C. GRCh37 (hg19) VCF-style: chr11-108141816-CT-C.
Other names: c.2865del, p.Gly956fs (NM_001351834.2); short protein forms G956fs.
Identifiers: ClinVar variation 3148629 (VCV003148629.1), dbSNP rs2497677360, ClinGen allele CA2825001815.
Genomic context (GRCh38, chr11:108,271,089, plus strand): 5'-GATAAACCTGATTTTTTTCCCTCCTACCATCTTAGTATCTAATGCTTTTAAAGGAGCTTC[CT>C]GGAGAAGAGTACCCCTTGCCAATGGAAGATGTTCTTGAACTTCTGAAACCACTATCGTAA-3'